The following is an entry in ClinVar:

ClinVar aggregate classification (germline): Uncertain significance (1 of 4 stars; one submission).

Submission:

Labcorp Genetics (formerly Invitae), Labcorp
Classification: Uncertain significance. Last evaluated: 2022-06-23. Review status: criteria provided, single submitter. Criteria: Invitae Variant Classification Sherloc (09022015). Collection method: clinical testing. Allele origin: germline.
Comment: In summary, the available evidence is currently insufficient to determine the role of this variant in disease. Therefore, it has been classified as a Variant of Uncertain Significance. Algorithms developed to predict the effect of missense changes on protein structure and function are either unavailable or do not agree on the potential impact of this missense change (SIFT: "Deleterious"; PolyPhen-2: "Possibly Damaging"; Align-GVGD: "Class C0"). This variant has not been reported in the literature in individuals affected with TENM3-related conditions. This variant is not present in population databases (gnomAD no frequency). This sequence change replaces threonine, which is neutral and polar, with isoleucine, which is neutral and non-polar, at codon 256 of the TENM3 protein (p.Thr256Ile).

NM_001080477.4(TENM3):c.767C>T (p.Thr256Ile)

Gene: TENM3 (teneurin transmembrane protein 3; plus strand). Cytogenetic location: 4q35.1.
Variant type: single nucleotide variant.
Coding change: c.767C>T on transcript NM_001080477.4 (MANE Select); coding-DNA position 767, C replaced by T.
Protein change: p.Thr256Ile; replaces threonine 256 with isoleucine.
Molecular consequence: missense variant.
Genome position (GRCh38, 1-based): chr4:182,628,668, C>T. VCF-style: chr4-182628668-C-T. GRCh37 (hg19) VCF-style: chr4-183549821-C-T.
Other names: c.-50C>T (NM_001415960.1, NM_001415961.1, NM_001415962.1 and 2 more transcripts); c.488C>T, p.Thr163Ile (NM_001415966.1, NM_001415967.1, NM_001415976.1 and 1 more transcripts); c.767C>T, p.Thr256Ile (NM_001415968.1, NM_001415969.1, NM_001415970.1 and 4 more transcripts); short protein forms T163I, T256I.
Identifiers: ClinVar variation 2099209 (VCV002099209.4), dbSNP rs2533518789, ClinGen allele CA359102245.